The following is an entry in ClinVar:

ClinVar aggregate classification (germline): Uncertain significance. Review status: criteria provided, multiple submitters, no conflicts (2 of 4 stars). 2 submissions from 2 submitters: Uncertain significance (2). Last evaluated 2025-11-07.

Allele frequency attached by ClinVar (database versions not stated): gnomAD exomes 0.00007; ESP Exome Variant Server 0.00008; TOPMed 0.00009; ExAC 0.00012; gnomAD 0.00013 and 0.00014.
gnomAD v4.1: 228 of 1,612,808 alleles (0.014%); highest among the groups gnomAD compares: Non-Finnish European, 0.018%; no homozygotes.

Submissions (2):

Ambry Genetics
Classification: Uncertain significance. Last evaluated: 2025-11-07. Review status: criteria provided, single submitter. Criteria: Ambry Variant Classification Scheme 2023. Collection method: clinical testing. Allele origin: germline.

Labcorp Genetics (formerly Invitae), Labcorp
Classification: Uncertain significance. Last evaluated: 2025-04-30. Review status: criteria provided, single submitter. Criteria: Invitae Variant Classification Sherloc (09022015). Collection method: clinical testing. Allele origin: germline.
Comment: This sequence change replaces cysteine, which is neutral and slightly polar, with glycine, which is neutral and non-polar, at codon 162 of the ASRGL1 protein (p.Cys162Gly). This variant is present in population databases (rs367883842, gnomAD 0.02%). This variant has not been reported in the literature in individuals affected with ASRGL1-related conditions. ClinVar contains an entry for this variant (Variation ID: 1039030). An algorithm developed to predict the effect of missense changes on protein structure and function (PolyPhen-2) suggests that this variant is likely to be tolerated. In summary, the available evidence is currently insufficient to determine the role of this variant in disease. Therefore, it has been classified as a Variant of Uncertain Significance.

NM_001083926.2(ASRGL1):c.484T>G (p.Cys162Gly)

Gene: ASRGL1 (asparaginase and isoaspartyl peptidase 1; plus strand). Cytogenetic location: 11q12.3.
Variant type: single nucleotide variant.
Coding change: c.484T>G on transcript NM_001083926.2 (MANE Select); coding-DNA position 484, T replaced by G.
Protein change: p.Cys162Gly; replaces cysteine 162 with glycine.
Molecular consequence: missense variant.
Genome position (GRCh38, 1-based): chr11:62,357,137, T>G. VCF-style: chr11-62357137-T-G. GRCh37 (hg19) VCF-style: chr11-62124609-T-G.
Other names: c.484T>G, p.Cys162Gly (NM_025080.4); c.484T>G (NM_001083926.1); short protein forms C162G.
Identifiers: ClinVar variation 1039030 (VCV001039030.10), dbSNP rs367883842, ClinGen allele CA6043207.